The following is an entry in ClinVar:

NM_004415.4(DSP):c.379G>A (p.Glu127Lys)

Gene: DSP (desmoplakin; plus strand). Cytogenetic location: 6p24.3.
Variant type: single nucleotide variant.
Coding change: c.379G>A on transcript NM_004415.4 (MANE Select); coding-DNA position 379, G replaced by A.
Protein change: p.Glu127Lys; replaces glutamic acid 127 with lysine.
Molecular consequence: missense variant.
Genome position (GRCh38, 1-based): chr6:7,558,221, G>A. VCF-style: chr6-7558221-G-A. GRCh37 (hg19) VCF-style: chr6-7558454-G-A.
Other names: c.379G>A, p.Glu127Lys (NM_001406591.1, NM_001008844.3, NM_001319034.2); short protein forms E127K.
Identifiers: ClinVar variation 3073037 (VCV003073037.2), dbSNP rs1758561785, ClinGen allele CA362671333.

ClinVar aggregate classification (germline): Uncertain significance. Review status: criteria provided, multiple submitters, no conflicts (2 of 4 stars). 2 submissions from 2 submitters: Uncertain significance (2). Last evaluated 2025-10-26.

Conditions:
Arrhythmogenic cardiomyopathy with wooly hair and keratoderma. Also called: PALMOPLANTAR KERATODERMA WITH LEFT VENTRICULAR CARDIOMYOPATHY AND WOOLLY HAIR; Carvajal syndrome; Dilated cardiomyopathy with woolly hair and keratoderma; Arrhythmogenic cardiomyopathy with woolly hair and keratoderma. Identifiers: Orphanet 65282, MedGen C1854063, MONDO:0011581, OMIM 605676.
Arrhythmogenic right ventricular dysplasia 8 (ARVD8). Also called: ARRHYTHMOGENIC RIGHT VENTRICULAR DYSPLASIA, FAMILIAL, 8; ARRHYTHMOGENIC RIGHT VENTRICULAR CARDIOMYOPATHY 8; Arrhythmogenic Right Ventricular Dysplasia/Cardiomyopathy 8. Identifiers: MedGen C1843896, MONDO:0011831, OMIM 607450.

Submissions (2):

Labcorp Genetics (formerly Invitae), Labcorp
Classification: Uncertain significance for Arrhythmogenic cardiomyopathy with wooly hair and keratoderma; Arrhythmogenic right ventricular dysplasia 8. Last evaluated: 2025-10-26. Review status: criteria provided, single submitter. Criteria: Invitae Variant Classification Sherloc (09022015). Collection method: clinical testing. Allele origin: germline.
Comment: This sequence change replaces glutamic acid, which is acidic and polar, with lysine, which is basic and polar, at codon 127 of the DSP protein (p.Glu127Lys). This variant is not present in population databases (gnomAD no frequency). This variant has not been reported in the literature in individuals affected with DSP-related conditions. ClinVar contains an entry for this variant (Variation ID: 3073037). An algorithm developed to predict the effect of missense changes on protein structure and function (PolyPhen-2) suggests that this variant is likely to be tolerated. In summary, the available evidence is currently insufficient to determine the role of this variant in disease. Therefore, it has been classified as a Variant of Uncertain Significance.

All of Us Research Program, National Institutes of Health
Classification: Uncertain significance for Arrhythmogenic cardiomyopathy with wooly hair and keratoderma. Last evaluated: 2023-11-30. Review status: criteria provided, single submitter. Criteria: ACMG Guidelines, 2015. Collection method: clinical testing. Allele origin: germline. Inheritance: Autosomal dominant inheritance. Observed: 1 variant allele, 1 heterozygote.
Comment: This study involves interpretation of variants in research participants for the purpose of population health screening. Participant phenotype was not available at the time of variant classification. Additional details can be found in publication PMID: 35346344, PMCID: PMC8962531